The following is an entry in ClinVar:

NM_014946.4(SPAST):c.911dup (p.Thr305fs)

Gene: SPAST (spastin; plus strand). Cytogenetic location: 2p22.3.
Variant type: Duplication.
Coding change: c.911dup on transcript NM_014946.4 (MANE Select); coding-DNA position 911, one base duplicated (C; older notation c.911dupC).
Protein change: p.Thr305fs; shifts the reading frame from threonine 305.
Molecular consequence: frameshift variant.
Genome position (GRCh38, 1-based): chr2:32,115,742, C duplicated; the last of 4 consecutive C bases (chr2:32,115,739-32,115,742); duplicating any one gives the same sequence. VCF-style (leftmost placement, unchanged base first): chr2-32115738-A-AC. GRCh37 (hg19) VCF-style: chr2-32340807-A-AC.
Other names: c.908dup, p.Thr304fs (NM_001363823.2); c.812dup, p.Thr272fs (NM_001363875.2); c.815dup, p.Thr273fs (NM_001377959.1, NM_199436.2); c.911dupC (NM_014946.3); short protein forms T273fs, T272fs, T305fs, T304fs.
Identifiers: ClinVar variation 422380 (VCV000422380.3), dbSNP rs1553315188, ClinGen allele CA16617527.

ClinVar aggregate classification (germline): Pathogenic/Likely pathogenic. Review status: criteria provided, multiple submitters, no conflicts (2 of 4 stars). 2 submissions from 2 submitters: Pathogenic (1); Likely pathogenic (1). Last evaluated 2022-02-15.

Submissions (2):

Athena Diagnostics
Classification: Pathogenic. Last evaluated: 2022-02-15. Review status: criteria provided, single submitter. Criteria: Athena Diagnostics Criteria. Collection method: clinical testing. Allele origin: unknown.
Comment: This variant is expected to result in the loss of a functional protein. This variant has not been reported in large, multi-ethnic general populations. This variant has been identified in at least one individual with clinical features associated with this gene.

GeneDx
Classification: Likely pathogenic. Last evaluated: 2016-10-14. Review status: criteria provided, single submitter. Criteria: GeneDx Variant Classification (06012015). Collection method: clinical testing. Allele origin: germline. Affected: yes.
Comment: The c.911dupC variant was not observed in approximately 6,500 individuals of European and African American ancestry in the NHLBI Exome Sequencing Project, indicating it is not a common benign variant in these populations. The c.911dupC variant causes a frameshift starting with codon Threonine 305, changes this amino acid to a Tyrosine residue and creates a premature Stop codon at position 6 of the new reading frame, denoted p.Thr305TyrfsX6. This variant is predicted to cause loss of normal protein function either through protein truncation or nonsense-mediated mRNA decay. Although the c.911dupC variant has not been previously reported to our knowledge, other downstream loss-of-function variants in the SPAST gene have been reported in the Human Gene Mutation Database in association with spastic paraplegia (Stenson et al., 2014).

Literature cited by the submitters: PubMed 31751864 (cited by Athena Diagnostics).